The following is an entry in ClinVar:

NM_001048174.2(MUTYH):c.781G>A (p.Val261Met)

Gene: MUTYH (mutY DNA glycosylase; minus strand). Cytogenetic location: 1p34.1.
Variant type: single nucleotide variant.
Coding change: c.781G>A on transcript NM_001048174.2 (MANE Select); coding-DNA position 781, G replaced by A.
Protein change: p.Val261Met; replaces valine 261 with methionine.
Molecular consequence: missense variant. On other transcripts: non-coding transcript variant (2).
Genome position (GRCh38, 1-based): chr1:45,332,234, C>T on the plus strand (G>A on the coding strand, the complement: MUTYH is on the minus strand). VCF-style: chr1-45332234-C-T. GRCh37 (hg19) VCF-style: chr1-45797906-C-T.
Other names: c.781G>A, p.Val261Met (NM_001048171.2, NM_001048173.2, NM_001293195.2 and 6 more transcripts); c.784G>A, p.Val262Met (NM_001048172.2, NM_001407071.1, NM_001407078.1 and 1 more transcripts); c.865G>A, p.Val289Met (NM_001128425.2); c.826G>A, p.Val276Met (NM_001293190.2); c.814G>A, p.Val272Met (NM_001293191.2, NM_001407069.1, NM_001407077.1); c.505G>A, p.Val169Met (NM_001293192.2, NM_001293196.2, NM_001407091.1); c.436G>A, p.Val146Met (NM_001350650.2, NM_001350651.2, NM_001407082.1); c.697G>A, p.Val233Met (NM_001407075.1); and 5 more; short protein forms V248M, V276M, V169M, V233M, V247M, V286M, V262M, V268M.
Identifiers: ClinVar variation 1764218 (VCV001764218.8), dbSNP rs2149138577, ClinGen allele CA340134531.

ClinVar aggregate classification (germline): Uncertain significance. Review status: criteria provided, multiple submitters, no conflicts (2 of 4 stars). 2 submissions from 2 submitters: Uncertain significance (2). Last evaluated 2025-12-23.

Conditions:
Hereditary cancer-predisposing syndrome. Also called: Hereditary Cancer Syndrome; Hereditary neoplastic syndrome; Neoplastic Syndromes, Hereditary; Tumor predisposition. Identifiers: Orphanet 140162, MedGen C0027672, MeSH D009386, MONDO:0015356.
Familial adenomatous polyposis 2. Also called: MUTYH-associated polyposis; MUTYH-related attenuated familial adenomatous polyposis; FAP type 2; Adenomas, multiple colorectal; MYH-associated polyposis; MUTYH Polyposis. Identifiers: Orphanet 220460, Orphanet 247798, MedGen C3272841, MONDO:0012041, OMIM 608456.

Submissions (2):

Labcorp Genetics (formerly Invitae), Labcorp
Classification: Uncertain significance for Familial adenomatous polyposis 2. Last evaluated: 2025-12-23. Review status: criteria provided, single submitter. Criteria: Invitae Variant Classification Sherloc (09022015). Collection method: clinical testing. Allele origin: germline.
Comment: This sequence change replaces valine, which is neutral and non-polar, with methionine, which is neutral and non-polar, at codon 289 of the MUTYH protein (p.Val289Met). This variant is not present in population databases (gnomAD no frequency). This variant has not been reported in the literature in individuals affected with MUTYH-related conditions. ClinVar contains an entry for this variant (Variation ID: 1764218). An algorithm developed to predict the effect of missense changes on protein structure and function (PolyPhen-2) suggests that this variant is likely to be disruptive. In summary, the available evidence is currently insufficient to determine the role of this variant in disease. Therefore, it has been classified as a Variant of Uncertain Significance.

Ambry Genetics
Classification: Uncertain significance for Hereditary cancer-predisposing syndrome. Last evaluated: 2025-06-05. Review status: criteria provided, single submitter. Criteria: Ambry Variant Classification Scheme 2023. Collection method: clinical testing. Allele origin: germline.
Comment: The p.V289M variant (also known as c.865G>A), located in coding exon 10 of the MUTYH gene, results from a G to A substitution at nucleotide position 865. The valine at codon 289 is replaced by methionine, an amino acid with highly similar properties. This amino acid position is conserved. In addition, this alteration is predicted to be deleterious by in silico analysis. Since supporting evidence is limited at this time, the clinical significance of this alteration remains unclear.